The following is an entry in ClinVar:

ClinVar aggregate classification (germline): Uncertain significance. Review status: criteria provided, multiple submitters, no conflicts (2 of 4 stars). 3 submissions from 3 submitters: Uncertain significance (3). Last evaluated 2025-08-06.

Conditions:
Hereditary cancer-predisposing syndrome. Also called: Tumor predisposition; Hereditary Cancer Syndrome; Hereditary neoplastic syndrome; Neoplastic Syndromes, Hereditary. Identifiers: Orphanet 140162, MedGen C0027672, MeSH D009386, MONDO:0015356.
Hereditary breast ovarian cancer syndrome. Also called: Hereditary breast and ovarian cancer; Breast and ovarian cancer; BRCA1- and BRCA2-Associated Hereditary Breast and Ovarian Cancer; Hereditary breast and ovarian cancer syndrome; Hereditary breast and ovarian cancer syndrome (HBOC); Hereditary breast and/or ovarian cancer syndrome. Identifiers: Orphanet 145, MedGen C0677776, MeSH D061325, MONDO:0003582. Disease mechanism: loss of function.
Fanconi anemia complementation group O. Also called: RAD51C-Related Fanconi Anemia. Identifiers: Orphanet 84, MedGen C3150653, MONDO:0013248, OMIM 613390.

Submissions (3):

Labcorp Genetics (formerly Invitae), Labcorp
Classification: Uncertain significance for Fanconi anemia complementation group O. Last evaluated: 2025-08-06. Review status: criteria provided, single submitter. Criteria: Invitae Variant Classification Sherloc (09022015). Collection method: clinical testing. Allele origin: germline.
Comment: This sequence change replaces valine, which is neutral and non-polar, with alanine, which is neutral and non-polar, at codon 129 of the RAD51C protein (p.Val129Ala). This variant is not present in population databases (gnomAD no frequency). This variant has not been reported in the literature in individuals affected with RAD51C-related conditions. ClinVar contains an entry for this variant (Variation ID: 233792). Invitae Evidence Modeling of protein sequence and biophysical properties (such as structural, functional, and spatial information, amino acid conservation, physicochemical variation, residue mobility, and thermodynamic stability) indicates that this missense variant is not expected to disrupt RAD51C protein function with a negative predictive value of 80%. In summary, the available evidence is currently insufficient to determine the role of this variant in disease. Therefore, it has been classified as a Variant of Uncertain Significance.

Ambry Genetics
Classification: Uncertain significance for Hereditary cancer-predisposing syndrome. Last evaluated: 2023-05-16. Review status: criteria provided, single submitter. Criteria: Ambry Variant Classification Scheme 2023. Collection method: clinical testing. Allele origin: germline.
Comment: The p.V129A variant (also known as c.386T>C), located in coding exon 2 of the RAD51C gene, results from a T to C substitution at nucleotide position 386. The valine at codon 129 is replaced by alanine, an amino acid with similar properties. This amino acid position is well conserved in available vertebrate species. In addition, the in silico prediction for this alteration is inconclusive. Since supporting evidence is limited at this time, the clinical significance of this alteration remains unclear.

Mendelics
Classification: Uncertain significance for Hereditary breast and ovarian cancer syndrome. Last evaluated: 2018-07-02. Review status: criteria provided, single submitter. Criteria: Mendelics Assertion Criteria 2017. Collection method: clinical testing. Allele origin: unknown.

NM_058216.3(RAD51C):c.386T>C (p.Val129Ala)

Gene: RAD51C (RAD51 paralog C; plus strand). Cytogenetic location: 17q22.
Variant type: single nucleotide variant.
Coding change: c.386T>C on transcript NM_058216.3 (MANE Select); coding-DNA position 386, T replaced by C.
Protein change: p.Val129Ala; replaces valine 129 with alanine.
Molecular consequence: missense variant. On other transcripts: non-coding transcript variant (2).
Genome position (GRCh38, 1-based): chr17:58,695,171, T>C. VCF-style: chr17-58695171-T-C. GRCh37 (hg19) VCF-style: chr17-56772532-T-C.
Other names: c.386T>C, p.Val129Ala (NM_002876.4); short protein forms V129A.
Identifiers: ClinVar variation 233792 (VCV000233792.22), dbSNP rs876660641, ClinGen allele CA10580736.